The following is an entry in ClinVar:

ClinVar aggregate classification (germline): Likely benign (1 of 4 stars; one submission).

Allele frequency attached by ClinVar (database versions not stated): TOPMed 0.00001.
gnomAD v4.1: 3 of 1,614,080 alleles (0.00019%); highest among the groups gnomAD compares: Non-Finnish European, 0.00025%; no homozygotes.

Submission:

CeGaT Center for Human Genetics Tuebingen
Classification: Likely benign. Last evaluated: 2023-09-01. Review status: criteria provided, single submitter. Criteria: CeGaT Center For Human Genetics Tuebingen Variant Classification Criteria Version 2. Collection method: clinical testing. Allele origin: germline. Affected: yes. Observed: 1 variant allele.
Comment: KAT6B: PM2:Supporting, BP4, BP7

NM_012330.4(KAT6B):c.3765T>C (p.Gly1255=)

Gene: KAT6B (lysine acetyltransferase 6B; plus strand). Cytogenetic location: 10q22.2.
Variant type: single nucleotide variant.
Coding change: c.3765T>C on transcript NM_012330.4 (MANE Select); coding-DNA position 3765, T replaced by C.
Protein change: p.Gly1255=; no amino-acid change (glycine 1255 retained).
Molecular consequence: synonymous variant.
Genome position (GRCh38, 1-based): chr10:75,028,589, T>C. VCF-style: chr10-75028589-T-C. GRCh37 (hg19) VCF-style: chr10-76788347-T-C.
Other names: c.3216T>C, p.Gly1072= (NM_001256468.2, NM_001370138.1); c.2889T>C, p.Gly963= (NM_001256469.2, NM_001370139.1, NM_001370140.1 and 2 more transcripts); c.2727T>C, p.Gly909= (NM_001370132.1); c.2076T>C, p.Gly692= (NM_001370133.1); c.1680T>C, p.Gly560= (NM_001370134.1); c.1422T>C, p.Gly474= (NM_001370135.1); c.3765T>C, p.Gly1255= (NM_001370136.1, NM_001370137.1); c.2700T>C, p.Gly900= (NM_001370143.1, NM_001370144.1).
Identifiers: ClinVar variation 2640604 (VCV002640604.24), dbSNP rs1354274550, ClinGen allele CA470299514.